The following is an entry in ClinVar:

ClinVar aggregate classification (germline): Uncertain significance (1 of 4 stars; one submission).

gnomAD v4.1: 12 of 1,613,636 alleles (0.00074%); highest among the groups gnomAD compares: East Asian, 0.0022%; no homozygotes.

Submission:

Labcorp Genetics (formerly Invitae), Labcorp
Classification: Uncertain significance. Last evaluated: 2025-12-14. Review status: criteria provided, single submitter. Criteria: Invitae Variant Classification Sherloc (09022015). Collection method: clinical testing. Allele origin: germline.
Comment: This sequence change replaces arginine, which is basic and polar, with serine, which is neutral and polar, at codon 140 of the APOA1 protein (p.Arg140Ser). This variant is present in population databases (no rsID available, gnomAD 0.06%). This variant has not been reported in the literature in individuals affected with APOA1-related conditions. An algorithm developed to predict the effect of missense changes on protein structure and function outputs the following: PolyPhen-2: "Benign". The serine amino acid residue is found in multiple mammalian species, which suggests that this missense change does not adversely affect protein function. In summary, the available evidence is currently insufficient to determine the role of this variant in disease. Therefore, it has been classified as a Variant of Uncertain Significance.

NM_000039.3(APOA1):c.418C>A (p.Arg140Ser)

Genes: APOA1 (apolipoprotein A1; minus strand), APOA1-AS (APOA1 antisense RNA; plus strand). Cytogenetic location: 11q23.3.
Variant type: single nucleotide variant.
Coding change: c.418C>A on transcript NM_000039.3 (MANE Select); coding-DNA position 418, C replaced by A.
Protein change: p.Arg140Ser; replaces arginine 140 with serine.
Molecular consequence: missense variant. On other transcripts: non-coding transcript variant (1).
Genome position (GRCh38, 1-based): chr11:116,836,194, G>T on the plus strand (C>A on the coding strand, the complement: APOA1 is on the minus strand). VCF-style: chr11-116836194-G-T. GRCh37 (hg19) VCF-style: chr11-116706910-G-T.
Other names: c.418C>A, p.Arg140Ser (NM_001318017.2, NM_001318018.2, NM_001425090.1 and 1 more transcripts); c.91C>A, p.Arg31Ser (NM_001318021.2, NM_001425091.1, NM_001425092.1); short protein forms R140S, R31S.
Identifiers: ClinVar variation 4709843 (VCV004709843.1).